The following is an entry in ClinVar:

NM_000535.7(PMS2):c.1442C>A (p.Pro481His)

Gene: PMS2 (PMS1 homolog 2, mismatch repair system component; minus strand). Cytogenetic location: 7p22.1.
Variant type: single nucleotide variant.
Coding change: c.1442C>A on transcript NM_000535.7 (MANE Select); coding-DNA position 1442, C replaced by A.
Protein change: p.Pro481His; replaces proline 481 with histidine.
Molecular consequence: missense variant. On other transcripts: non-coding transcript variant (1).
Genome position (GRCh38, 1-based): chr7:5,987,323, G>T on the plus strand (C>A on the coding strand, the complement: PMS2 is on the minus strand). VCF-style: chr7-5987323-G-T. GRCh37 (hg19) VCF-style: chr7-6026954-G-T.
Other names: c.1037C>A, p.Pro346His (NM_001322003.2, NM_001322004.2, NM_001322005.2 and 1 more transcripts); c.1286C>A, p.Pro429His (NM_001322006.2); c.1124C>A, p.Pro375His (NM_001322007.2, NM_001322008.2); c.881C>A, p.Pro294His (NM_001322010.2); c.509C>A, p.Pro170His (NM_001322011.2, NM_001322012.2); c.869C>A, p.Pro290His (NM_001322013.2); c.1442C>A, p.Pro481His (NM_001322014.2); c.1133C>A, p.Pro378His (NM_001322015.2); short protein forms P375H, P346H, P170H, P378H, P429H, P290H, P294H, P481H.
Identifiers: ClinVar variation 654840 (VCV000654840.8), dbSNP rs1168365577, ClinGen allele CA366741972.

ClinVar aggregate classification (germline): Uncertain significance (1 of 4 stars; one submission).

Conditions:
Hereditary nonpolyposis colorectal neoplasms. Identifiers: MedGen C0009405, MeSH D003123.

Allele frequency attached by ClinVar (database versions not stated): TOPMed below 0.00001.

Submission:

Labcorp Genetics (formerly Invitae), Labcorp
Classification: Uncertain significance for Hereditary nonpolyposis colorectal neoplasms. Last evaluated: 2018-11-24. Review status: criteria provided, single submitter. Criteria: Invitae Variant Classification Sherloc (09022015). Collection method: clinical testing. Allele origin: germline.
Comment: In summary, the available evidence is currently insufficient to determine the role of this variant in disease. Therefore, it has been classified as a Variant of Uncertain Significance. Algorithms developed to predict the effect of missense changes on protein structure and function (SIFT, PolyPhen-2, Align-GVGD) all suggest that this variant is likely to be tolerated, but these predictions have not been confirmed by published functional studies and their clinical significance is uncertain. This variant has not been reported in the literature in individuals with PMS2-related conditions. This variant is not present in population databases (ExAC no frequency). This sequence change replaces proline with histidine at codon 481 of the PMS2 protein (p.Pro481His). The proline residue is weakly conserved and there is a moderate physicochemical difference between proline and histidine.